The following is an entry in ClinVar:

ClinVar aggregate classification (germline): Uncertain significance (1 of 4 stars; one submission).

Allele frequency attached by ClinVar (database versions not stated): gnomAD exomes below 0.00001; TOPMed below 0.00001; ExAC 0.00002.
gnomAD v4.1: 2 of 1,614,024 alleles (0.00012%); highest among the groups gnomAD compares: Admixed American, 0.0033%; no homozygotes.

Submission:

Labcorp Genetics (formerly Invitae), Labcorp
Classification: Uncertain significance. Last evaluated: 2023-06-09. Review status: criteria provided, single submitter. Criteria: Invitae Variant Classification Sherloc (09022015). Collection method: clinical testing. Allele origin: germline.
Comment: In summary, the available evidence is currently insufficient to determine the role of this variant in disease. Therefore, it has been classified as a Variant of Uncertain Significance. Advanced modeling of protein sequence and biophysical properties (such as structural, functional, and spatial information, amino acid conservation, physicochemical variation, residue mobility, and thermodynamic stability) performed at Invitae indicates that this missense variant is not expected to disrupt POLR1A protein function. This variant has not been reported in the literature in individuals affected with POLR1A-related conditions. This variant is present in population databases (rs774764516, gnomAD 0.003%). This sequence change replaces lysine, which is basic and polar, with asparagine, which is neutral and polar, at codon 1357 of the POLR1A protein (p.Lys1357Asn).

NM_015425.6(POLR1A):c.4071G>T (p.Lys1357Asn)

Gene: POLR1A (RNA polymerase I subunit A; minus strand). Cytogenetic location: 2p11.2.
Variant type: single nucleotide variant.
Coding change: c.4071G>T on transcript NM_015425.6 (MANE Select); coding-DNA position 4071, G replaced by T.
Protein change: p.Lys1357Asn; replaces lysine 1357 with asparagine.
Molecular consequence: missense variant.
Genome position (GRCh38, 1-based): chr2:86,033,751, C>A on the plus strand (G>T on the coding strand, the complement: POLR1A is on the minus strand). VCF-style: chr2-86033751-C-A. GRCh37 (hg19) VCF-style: chr2-86260874-C-A.
Other names: short protein forms K1357N.
Identifiers: ClinVar variation 2795422 (VCV002795422.3), dbSNP rs774764516, ClinGen allele CA1745597.